The following is an entry in ClinVar:

ClinVar aggregate classification (germline): Uncertain significance (1 of 4 stars; one submission).

Conditions:
Hereditary cancer-predisposing syndrome. Also called: Neoplastic Syndromes, Hereditary; Tumor predisposition; Hereditary Cancer Syndrome; Hereditary neoplastic syndrome. Identifiers: Orphanet 140162, MedGen C0027672, MeSH D009386, MONDO:0015356.

Submission:

Ambry Genetics
Classification: Uncertain significance for Hereditary cancer-predisposing syndrome. Last evaluated: 2020-11-24. Review status: criteria provided, single submitter. Criteria: Ambry Variant Classification Scheme 2023. Collection method: clinical testing. Allele origin: germline.
Comment: The c.3556+5G>A intronic variant results from a G to A substitution 5 nucleotides after coding exon 6 in the MSH6 gene. This nucleotide position is highly conserved in available vertebrate species. In silico splice site analysis for this alteration is inconclusive. Since supporting evidence is limited at this time, the clinical significance of this alteration remains unclear.

NM_000179.3(MSH6):c.3556+5G>A

Gene: MSH6 (mutS homolog 6; plus strand). Cytogenetic location: 2p16.3.
Variant type: single nucleotide variant.
Coding change: c.3556+5G>A on transcript NM_000179.3 (MANE Select); 5 bases into the intron after coding-DNA position 3556, G replaced by A.
Molecular consequence: intron variant.
Genome position (GRCh38, 1-based): chr2:47,805,032, G>A. VCF-style: chr2-47805032-G-A. GRCh37 (hg19) VCF-style: chr2-48032171-G-A.
Other names: c.2650+5G>A (NM_001281493.2, NM_001281494.2); c.3166+5G>A (NM_001281492.2).
Identifiers: ClinVar variation 1732630 (VCV001732630.2), dbSNP rs2530807819, ClinGen allele CA2580067211.